The following is an entry in ClinVar:

ClinVar aggregate classification (germline): Uncertain significance (1 of 4 stars; one submission).

Submission:

Labcorp Genetics (formerly Invitae), Labcorp
Classification: Uncertain significance. Last evaluated: 2021-10-29. Review status: criteria provided, single submitter. Criteria: Invitae Variant Classification Sherloc (09022015). Collection method: clinical testing. Allele origin: germline.
Comment: This variant is not present in population databases (gnomAD no frequency). This sequence change replaces threonine, which is neutral and polar, with asparagine, which is neutral and polar, at codon 132 of the LIG1 protein (p.Thr132Asn). This variant has not been reported in the literature in individuals affected with LIG1-related conditions. Algorithms developed to predict the effect of missense changes on protein structure and function (SIFT, PolyPhen-2, Align-GVGD) all suggest that this variant is likely to be tolerated. In summary, the available evidence is currently insufficient to determine the role of this variant in disease. Therefore, it has been classified as a Variant of Uncertain Significance.

NM_000234.3(LIG1):c.395C>A (p.Thr132Asn)

Gene: LIG1 (DNA ligase 1; minus strand). Cytogenetic location: 19q13.33.
Variant type: single nucleotide variant.
Coding change: c.395C>A on transcript NM_000234.3 (MANE Select); coding-DNA position 395, C replaced by A.
Protein change: p.Thr132Asn; replaces threonine 132 with asparagine.
Molecular consequence: missense variant. On other transcripts: non-coding transcript variant (6), intron variant (1).
Genome position (GRCh38, 1-based): chr19:48,153,943, G>T on the plus strand (C>A on the coding strand, the complement: LIG1 is on the minus strand). VCF-style: chr19-48153943-G-T. GRCh37 (hg19) VCF-style: chr19-48657200-G-T.
Other names: c.305C>A, p.Thr102Asn (NM_001289063.2, NM_001320971.2); c.395C>A, p.Thr132Asn (NM_001320970.2); c.370+3071C>A (NM_001289064.2); short protein forms T102N, T132N.
Identifiers: ClinVar variation 1448142 (VCV001448142.6), dbSNP rs2122905961, ClinGen allele CA406658075.